The following is an entry in ClinVar:

NM_015915.5(ATL1):c.1508T>C (p.Leu503Pro)

Gene: ATL1 (atlastin GTPase 1; plus strand). Cytogenetic location: 14q22.1.
Variant type: single nucleotide variant.
Coding change: c.1508T>C on transcript NM_015915.5 (MANE Select); coding-DNA position 1508, T replaced by C.
Protein change: p.Leu503Pro; replaces leucine 503 with proline.
Molecular consequence: missense variant.
Genome position (GRCh38, 1-based): chr14:50,628,419, T>C. VCF-style: chr14-50628419-T-C. GRCh37 (hg19) VCF-style: chr14-51095137-T-C.
Other names: c.1508T>C, p.Leu503Pro (NM_001127713.1, NM_181598.4); short protein forms L503P.
Identifiers: ClinVar variation 1704759 (VCV001704759.3), dbSNP rs2504578577, ClinGen allele CA389676443.
Genomic context (GRCh38, chr14:50,628,419, plus strand): 5'-TGACCCTTATCACCCTGTGCACTTGGGCATATATCCGGTACTCTGGAGAATACCGAGAGC[T>C]GGGAGCTGTAATAGACCAGGTGGCTGCAGCTCTGTGGGACCAGGTAAGAACACCTTTAAT-3'
Protein context (NP_056999.2, residues 493-513): YIRYSGEYRE[Leu503Pro]GAVIDQVAAA

ClinVar aggregate classification (germline): Uncertain significance. Review status: criteria provided, multiple submitters, no conflicts (2 of 4 stars). 2 submissions from 2 submitters: Uncertain significance (2). Last evaluated 2025-10-26.

Conditions:
Hereditary spastic paraplegia 3A (SPG3A). Also called: FAMILIAL SPASTIC PARAPLEGIA, AUTOSOMAL DOMINANT, 1; SPASTIC PARAPLEGIA 3, AUTOSOMAL DOMINANT; Spastic paraplegia 3A, autosomal dominant; SPG3; STRUMPELL DISEASE; Spastic Paraplegia 3A. Identifiers: Orphanet 100984, MedGen C2931355, MONDO:0008437, OMIM 182600.

Allele frequency attached by ClinVar (database versions not stated): gnomAD exomes below 0.00001.
gnomAD v4.1: 1 of 1,614,104 alleles (0.000062%); highest among the groups gnomAD compares: Non-Finnish European, 0.000085%; no homozygotes.

Submissions (2):

Labcorp Genetics (formerly Invitae), Labcorp
Classification: Uncertain significance for Hereditary spastic paraplegia 3A. Last evaluated: 2025-10-26. Review status: criteria provided, single submitter. Criteria: Invitae Variant Classification Sherloc (09022015). Collection method: clinical testing. Allele origin: germline.
Comment: This sequence change replaces leucine, which is neutral and non-polar, with proline, which is neutral and non-polar, at codon 503 of the ATL1 protein (p.Leu503Pro). This variant is not present in population databases (gnomAD no frequency). This variant has not been reported in the literature in individuals affected with ATL1-related conditions. ClinVar contains an entry for this variant (Variation ID: 1704759). Invitae Evidence Modeling of protein sequence and biophysical properties (such as structural, functional, and spatial information, amino acid conservation, physicochemical variation, residue mobility, and thermodynamic stability) has been performed for this missense variant. However, the output from this modeling did not meet the statistical confidence thresholds required to predict the impact of this variant on ATL1 protein function. In summary, the available evidence is currently insufficient to determine the role of this variant in disease. Therefore, it has been classified as a Variant of Uncertain Significance.

GeneDx
Classification: Uncertain significance. Last evaluated: 2022-03-11. Review status: criteria provided, single submitter. Criteria: GeneDx Variant Classification Process June 2021. Collection method: clinical testing. Allele origin: germline. Affected: yes.
Comment: Not observed at significant frequency in large population cohorts (gnomAD); In silico analysis supports that this missense variant has a deleterious effect on protein structure/function; Has not been previously published as pathogenic or benign to our knowledge; This variant is associated with the following publications: (PMID: 23334294)